The following is an entry in ClinVar:

ClinVar aggregate classification (germline): Pathogenic (1 of 4 stars; one submission).

Submission:

Labcorp Genetics (formerly Invitae), Labcorp
Classification: Pathogenic. Last evaluated: 2023-05-02. Review status: criteria provided, single submitter. Criteria: Invitae Variant Classification Sherloc (09022015). Collection method: clinical testing. Allele origin: germline.
Comment: This variant is present in population databases (no rsID available, gnomAD 0.003%). For these reasons, this variant has been classified as Pathogenic. ClinVar contains an entry for this variant (Variation ID: 663895). This variant has not been reported in the literature in individuals affected with CYP11B1-related conditions. This sequence change creates a premature translational stop signal (p.Gln426Serfs*4) in the CYP11B1 gene. It is expected to result in an absent or disrupted protein product. Loss-of-function variants in CYP11B1 are known to be pathogenic (PMID: 8506298, 26476331).

Literature cited by the submitters: PubMed 8506298; PubMed 26476331.

NM_000497.4(CYP11B1):c.1276del (p.Gln426fs)

Genes: CYP11B1 (cytochrome P450 family 11 subfamily B member 1; minus strand), LOC106799833 (CYP11B1 recombination region; plus strand). Cytogenetic location: 8q24.3.
Variant type: Deletion.
Coding change: c.1276del on transcript NM_000497.4 (MANE Select); coding-DNA position 1276, one base deleted (C; older notation c.1276delC).
Protein change: p.Gln426fs; shifts the reading frame from glutamine 426.
Molecular consequence: frameshift variant. On other transcripts: intron variant (1).
Genome position (GRCh38, 1-based): chr8:142,875,079, G deleted on the plus strand (C on the coding strand, the reverse complement: CYP11B1 is on the minus strand); the first of 5 consecutive G bases (chr8:142,875,079-142,875,083); deleting any one gives the same sequence. VCF-style (leftmost placement, unchanged base first): chr8-142875078-TG-T. GRCh37 (hg19) VCF-style: chr8-143956494-TG-T.
Other names: c.1200+155del (NM_001026213.1); c.1276delC (NM_000497.3); short protein forms Q426fs.
Identifiers: ClinVar variation 663895 (VCV000663895.6), dbSNP rs1249087390, ClinGen allele CA463505638.
Genomic context (GRCh38, chr8:142,875,078, plus strand): 5'-CCAAAGCCAAAGGGCACGTGGTAGAAGTTCCTGCCGGAGCCCCTGATGTCTAGCCAGCGC[TG>T]GGGGTTATAGCGCTCAGGCCTCGGGAACAAGGCGGGGTTGCGACCCAGAGAGTAGAGGAA-3'